The following is an entry in ClinVar:

ClinVar aggregate classification (germline): Likely benign (0 of 4 stars; one submission).

Conditions:
CYBRD1-related disorder. Also called: CYBRD1-related condition.

Allele frequency attached by ClinVar (database versions not stated): 1000 Genomes Project 30x 0.00016; 1000 Genomes Project 0.00020; gnomAD 0.00097; ESP Exome Variant Server 0.00154; ExAC 0.00194.
gnomAD v4.1: 2,463 of 1,611,586 alleles (0.15%); highest among the groups gnomAD compares: Non-Finnish European, 0.19%; 4 homozygotes.

Submission:

PreventionGenetics, part of Exact Sciences
Classification: Likely benign for CYBRD1-related condition. Last evaluated: 2022-02-03. Review status: no assertion criteria provided. Collection method: clinical testing. Allele origin: germline.
Comment: This variant is classified as likely benign based on ACMG/AMP sequence variant interpretation guidelines (Richards et al. 2015 PMID: 25741868, with internal and published modifications).

NM_024843.4(CYBRD1):c.44C>T (p.Ser15Leu)

Genes: CYBRD1 (cytochrome b reductase 1; plus strand), LOC129935103 (ATAC-STARR-seq lymphoblastoid active region 16758; plus strand). Cytogenetic location: 2q31.1.
Variant type: single nucleotide variant.
Coding change: c.44C>T on transcript NM_024843.4 (MANE Select); coding-DNA position 44, C replaced by T.
Protein change: p.Ser15Leu; replaces serine 15 with leucine.
Molecular consequence: missense variant. On other transcripts: intron variant (1).
Genome position (GRCh38, 1-based): chr2:171,522,589, C>T. VCF-style: chr2-171522589-C-T. GRCh37 (hg19) VCF-style: chr2-172379099-C-T.
Other names: c.44C>T, p.Ser15Leu (NM_001127383.2); c.19+298C>T (NM_001256909.2); short protein forms S15L.
Identifiers: ClinVar variation 3039228 (VCV003039228.2), dbSNP rs146713767, ClinGen allele CA1965212.